The following is an entry in ClinVar:

NM_030773.4(TUBB1):c.544C>T (p.Pro182Ser)

Gene: TUBB1 (tubulin beta 1 class VI; plus strand). Cytogenetic location: 20q13.32.
Variant type: single nucleotide variant.
Coding change: c.544C>T on transcript NM_030773.4 (MANE Select); coding-DNA position 544, C replaced by T.
Protein change: p.Pro182Ser; replaces proline 182 with serine.
Molecular consequence: missense variant.
Genome position (GRCh38, 1-based): chr20:59,023,971, C>T. VCF-style: chr20-59023971-C-T. GRCh37 (hg19) VCF-style: chr20-57599026-C-T.
Other names: short protein forms P182S.
Identifiers: ClinVar variation 2027478 (VCV002027478.4), dbSNP rs2515917017, ClinGen allele CA409467152.

ClinVar aggregate classification (germline): Uncertain significance (1 of 4 stars; one submission).

Submission:

Labcorp Genetics (formerly Invitae), Labcorp
Classification: Uncertain significance. Last evaluated: 2024-08-05. Review status: criteria provided, single submitter. Criteria: Invitae Variant Classification Sherloc (09022015). Collection method: clinical testing. Allele origin: germline.
Comment: This sequence change replaces proline, which is neutral and non-polar, with serine, which is neutral and polar, at codon 182 of the TUBB1 protein (p.Pro182Ser). This variant is not present in population databases (gnomAD no frequency). This variant has not been reported in the literature in individuals affected with TUBB1-related conditions. ClinVar contains an entry for this variant (Variation ID: 2027478). Advanced modeling of protein sequence and biophysical properties (such as structural, functional, and spatial information, amino acid conservation, physicochemical variation, residue mobility, and thermodynamic stability) performed at Invitae indicates that this missense variant is expected to disrupt TUBB1 protein function with a positive predictive value of 80%. In summary, the available evidence is currently insufficient to determine the role of this variant in disease. Therefore, it has been classified as a Variant of Uncertain Significance.